The following is an entry in ClinVar:

NM_000052.7(ATP7A):c.2167G>C (p.Val723Leu)

Gene: ATP7A (ATPase copper transporting alpha; plus strand). Cytogenetic location: Xq21.1.
Variant type: single nucleotide variant.
Coding change: c.2167G>C on transcript NM_000052.7 (MANE Select); coding-DNA position 2167, G replaced by C.
Protein change: p.Val723Leu; replaces valine 723 with leucine.
Molecular consequence: missense variant.
Genome position (GRCh38, 1-based): chrX:78,011,669, G>C. VCF-style: chrX-78011669-G-C. GRCh37 (hg19) VCF-style: chrX-77267166-G-C.
Other names: c.2167G>C, p.Val723Leu (NM_001282224.2); c.2167G>C (NM_000052.6); short protein forms V723L.
Identifiers: ClinVar variation 1787006 (VCV001787006.6), dbSNP rs1223126237, ClinGen allele CA413598563.
Genomic context (GRCh38, chrX:78,011,669, plus strand): 5'-CGCCAGATTCTTCCAGGATTGTCTGTTATGAATTTGCTGTCCTTTTTATTGTGTGTACCT[G>C]TACAGGCAAGTGAATTGTTAGCAAATATATTTGTTAATAATAAAAAATAAGCAAAATTTG-3'
Protein context (NP_000043.4, residues 713-733): NLLSFLLCVP[Val723Leu]QFFGGWYFYI

ClinVar aggregate classification (germline): Uncertain significance. Review status: criteria provided, multiple submitters, no conflicts (2 of 4 stars). 3 submissions from 3 submitters: Uncertain significance (2). 1 of the submissions does not count toward it. Last evaluated 2023-10-16.

Conditions:
Cutis laxa, X-linked (OHS). Also called: EDS IX; Occipital horn syndrome. Identifiers: Orphanet 198, MedGen C0268353, MONDO:0010572, OMIM 304150.
Menkes kinky-hair syndrome (MNK). Also called: Classic Menkes Disease; Copper transport disease; Menkes Disease. Identifiers: Orphanet 565, MedGen C0022716, MONDO:0010651, OMIM 309400.
X-linked distal spinal muscular atrophy type 3. Also called: NEURONOPATHY, DISTAL HEREDITARY MOTOR, X-LINKED; NEUROPATHY, DISTAL HEREDITARY MOTOR, X-LINKED; ATP7A-Related Distal Motor Neuropathy; SPINAL MUSCULAR ATROPHY, DISTAL, X-LINKED RECESSIVE. Identifiers: Orphanet 139557, MedGen C1845359, MONDO:0010338, OMIM 300489.
Inborn genetic diseases. Identifiers: MedGen C0950123, MeSH D030342.

gnomAD v4.1: 5 of 1,204,355 alleles (0.00042%); highest among the groups gnomAD compares: Non-Finnish European, 0.00056%; no homozygotes.

Submissions (3):

Labcorp Genetics (formerly Invitae), Labcorp
Classification: Uncertain significance for X-linked distal spinal muscular atrophy type 3; Cutis laxa, X-linked; Menkes kinky-hair syndrome. Last evaluated: 2023-10-16. Review status: criteria provided, single submitter. Criteria: Invitae Variant Classification Sherloc (09022015). Collection method: clinical testing. Allele origin: germline.
Comment: This sequence change replaces valine, which is neutral and non-polar, with leucine, which is neutral and non-polar, at codon 723 of the ATP7A protein (p.Val723Leu). This variant is not present in population databases (gnomAD no frequency). This variant has not been reported in the literature in individuals affected with ATP7A-related conditions. ClinVar contains an entry for this variant (Variation ID: 1787006). Advanced modeling of protein sequence and biophysical properties (such as structural, functional, and spatial information, amino acid conservation, physicochemical variation, residue mobility, and thermodynamic stability) performed at Invitae indicates that this missense variant is not expected to disrupt ATP7A protein function. In summary, the available evidence is currently insufficient to determine the role of this variant in disease. Therefore, it has been classified as a Variant of Uncertain Significance.

Ambry Genetics
Classification: Uncertain significance for Inborn genetic diseases. Last evaluated: 2022-04-26. Review status: criteria provided, single submitter. Criteria: Ambry Variant Classification Scheme 2023. Collection method: clinical testing. Allele origin: germline.
Comment: The p.V723L variant (also known as c.2167G>C), located in coding exon 8 of the ATP7A gene, results from a G to C substitution at nucleotide position 2167. The valine at codon 723 is replaced by leucine, an amino acid with highly similar properties. This amino acid position is conserved. In addition, this alteration is predicted to be deleterious by in silico analysis. Since supporting evidence is limited at this time, the clinical significance of this alteration remains unclear.

Natera, Inc.
Classification: Uncertain significance for Menkes kinky hair syndrome. Last evaluated: 2025-01-29. Review status: no assertion criteria provided. Collection method: clinical testing. Allele origin: germline. Not counted in ClinVar's aggregate classification.